The following is an entry in ClinVar:

ClinVar aggregate classification (germline): Pathogenic (1 of 4 stars; one submission).

Conditions:
Autosomal recessive nonsyndromic hearing loss 16. Also called: DFNB16 Nonsyndromic Hearing Loss and Deafness; DEAFNESS, AUTOSOMAL RECESSIVE 16. Identifiers: Orphanet 90636, MedGen C1863561, MONDO:0011364, OMIM 603720.

Submission:

Center of Genomic medicine, Geneva, University Hospital of Geneva
Classification: Pathogenic for Autosomal recessive nonsyndromic hearing loss 16. Last evaluated: 2018-02-15. Review status: criteria provided, single submitter. Criteria: ACMG Guidelines, 2015. Collection method: clinical testing. Allele origin: maternal. Affected: yes. Observed: 1 variant allele.

NC_000015.9:g.(43851199_43890333)_(43897676_43924279)del

Genes: CATSPER2 (cation channel sperm associated 2; minus strand), CKMT1B (creatine kinase, mitochondrial 1B; plus strand), PPIP5K1 (diphosphoinositol pentakisphosphate kinase 1; minus strand), STRC (stereocilin; minus strand). Cytogenetic location: 15q15.3.
Variant type: Deletion.
Identifiers: ClinVar variation 1175705 (VCV001175705.2).